The following is an entry in ClinVar:

ClinVar aggregate classification (germline): Uncertain significance (1 of 4 stars; one submission).

Submission:

GeneDx
Classification: Uncertain significance. Last evaluated: 2025-09-28. Review status: criteria provided, single submitter. Criteria: GeneDx Variant Classification Process June 2021. Collection method: clinical testing. Allele origin: germline. Affected: yes.
Comment: Not observed at significant frequency in large population cohorts (gnomAD); In silico analysis supports that this missense variant has a deleterious effect on protein structure/function; Has not been previously published as pathogenic or benign to our knowledge

NM_001100913.3(PACS2):c.59T>A (p.Val20Glu)

Genes: BRF1 (BRF1 general transcription factor IIIB subunit; minus strand), PACS2 (phosphofurin acidic cluster sorting protein 2; plus strand), LOC130056677 (ATAC-STARR-seq lymphoblastoid silent region 6228; plus strand). Cytogenetic location: 14q32.33.
Variant type: single nucleotide variant.
Coding change: c.59T>A on transcript NM_001100913.3 (MANE Select); coding-DNA position 59, T replaced by A.
Protein change: p.Val20Glu; replaces valine 20 with glutamic acid.
Molecular consequence: missense variant. On other transcripts: intron variant (4).
Genome position (GRCh38, 1-based): chr14:105,314,977, T>A. VCF-style: chr14-105314977-T-A. GRCh37 (hg19) VCF-style: chr14-105781314-T-A.
Other names: c.59T>A, p.Val20Glu (NM_015197.4); c.-162+345A>T (NM_001440451.1, NM_001242787.2, NM_001242786.2); c.-83+13998T>A (NM_001243127.3); short protein forms V20E.
Identifiers: ClinVar variation 4818916 (VCV004818916.1).